The following is an entry in ClinVar:

ClinVar aggregate classification (germline): Uncertain significance. Review status: criteria provided, multiple submitters, no conflicts (2 of 4 stars). 2 submissions from 2 submitters: Uncertain significance (2). Last evaluated 2026-08-13.

Conditions:
Hereditary nonpolyposis colorectal neoplasms. Identifiers: MedGen C0009405, MeSH D003123.
Hereditary cancer-predisposing syndrome. Also called: Tumor predisposition; Hereditary neoplastic syndrome; Neoplastic Syndromes, Hereditary; Hereditary Cancer Syndrome. Identifiers: Orphanet 140162, MedGen C0027672, MeSH D009386, MONDO:0015356.

Submissions (2):

Ambry Genetics
Classification: Uncertain significance for Hereditary cancer-predisposing syndrome. Last evaluated: 2026-08-13. Review status: criteria provided, single submitter. Criteria: Ambry Variant Classification Scheme 2023. Collection method: clinical testing. Allele origin: germline.
Comment: The p.A1306T variant (also known as c.3916G>A), located in coding exon 9 of the MSH6 gene, results from a G to A substitution at nucleotide position 3916. The alanine at codon 1306 is replaced by threonine, an amino acid with similar properties. This amino acid position is highly conserved in available vertebrate species. In addition, this alteration is predicted to be deleterious by in silico analysis. Based on the available evidence, the clinical significance of this variant remains unclear.

Labcorp Genetics (formerly Invitae), Labcorp
Classification: Uncertain significance for Hereditary nonpolyposis colorectal neoplasms. Last evaluated: 2023-10-10. Review status: criteria provided, single submitter. Criteria: Invitae Variant Classification Sherloc (09022015). Collection method: clinical testing. Allele origin: germline.
Comment: This sequence change replaces alanine, which is neutral and non-polar, with threonine, which is neutral and polar, at codon 1306 of the MSH6 protein (p.Ala1306Thr). This variant is not present in population databases (gnomAD no frequency). This variant has not been reported in the literature in individuals affected with MSH6-related conditions. ClinVar contains an entry for this variant (Variation ID: 1714899). Advanced modeling of protein sequence and biophysical properties (such as structural, functional, and spatial information, amino acid conservation, physicochemical variation, residue mobility, and thermodynamic stability) has been performed at Invitae for this missense variant, however the output from this modeling did not meet the statistical confidence thresholds required to predict the impact of this variant on MSH6 protein function. In summary, the available evidence is currently insufficient to determine the role of this variant in disease. Therefore, it has been classified as a Variant of Uncertain Significance.

NM_000179.3(MSH6):c.3916G>A (p.Ala1306Thr)

Gene: MSH6 (mutS homolog 6; plus strand). Cytogenetic location: 2p16.3.
Variant type: single nucleotide variant.
Coding change: c.3916G>A on transcript NM_000179.3 (MANE Select); coding-DNA position 3916, G replaced by A.
Protein change: p.Ala1306Thr; replaces alanine 1306 with threonine.
Molecular consequence: missense variant. On other transcripts: synonymous variant (1).
Genome position (GRCh38, 1-based): chr2:47,806,566, G>A. VCF-style: chr2-47806566-G-A. GRCh37 (hg19) VCF-style: chr2-48033705-G-A.
Other names: c.3526G>A, p.Ala1176Thr (NM_001281492.2); c.3010G>A, p.Ala1004Thr (NM_001281493.2, NM_001281494.2, NM_001406816.1 and 6 more transcripts); c.4012G>A, p.Ala1338Thr (NM_001406795.1); c.3916G>A, p.Ala1306Thr (NM_001406796.1, NM_001406808.1, NM_001406809.1); c.3619G>A, p.Ala1207Thr (NM_001406797.1, NM_001406801.1, NM_001406818.1 and 10 more transcripts); c.3742G>A, p.Ala1248Thr (NM_001406798.1); c.3391G>A, p.Ala1131Thr (NM_001406799.1, NM_001406806.1, NM_001406807.1); c.3903G>A, p.Leu1301= (NM_001406800.1); and 8 more; short protein forms A1004T, A1018T, A1131T, A1176T, A1207T, A1248T, A1250T, A1280T.
Identifiers: ClinVar variation 1714899 (VCV001714899.9), dbSNP rs2104560478, ClinGen allele CA346761452.
Genomic context (GRCh38, chr2:47,806,566, plus strand): 5'-CTCTATAAATTCATTAAGGGAGCTTGTCCTAAAAGCTATGGCTTTAATGCAGCAAGGCTT[G>A]CTAATCTCCCAGAGGAAGTTATTCAAAAGGGACATAGAAAAGCAAGAGAATTTGAGAAGA-3'
Protein context (NP_000170.1, residues 1296-1316): KSYGFNAARL[Ala1306Thr]NLPEEVIQKG